The following is an entry in ClinVar:

ClinVar aggregate classification (germline): Benign (0 of 4 stars; one submission).

Conditions:
THADA-related disorder. Also called: THADA-related condition.

Allele frequency attached by ClinVar (database versions not stated): ESP Exome Variant Server 0.02624; gnomAD 0.02701; 1000 Genomes Project 30x 0.04825; 1000 Genomes Project 0.05112.
gnomAD v4.1: 56,366 of 1,610,294 alleles (3.5%); highest among the groups gnomAD compares: South Asian, 8.5%; 1,262 homozygotes.

Submission:

PreventionGenetics, part of Exact Sciences
Classification: Benign for THADA-related condition. Last evaluated: 2019-02-19. Review status: no assertion criteria provided. Collection method: clinical testing. Allele origin: germline.
Comment: This variant is classified as benign based on ACMG/AMP sequence variant interpretation guidelines (Richards et al. 2015 PMID: 25741868, with internal and published modifications).

NM_022065.5(THADA):c.3744+7G>T

Gene: THADA (THADA armadillo repeat containing; minus strand). Cytogenetic location: 2p21.
Variant type: single nucleotide variant.
Coding change: c.3744+7G>T on transcript NM_022065.5 (MANE Select); 7 bases into the intron after coding-DNA position 3744, G replaced by T.
Molecular consequence: intron variant.
Genome position (GRCh38, 1-based): chr2:43,498,826, C>A on the plus strand (G>T on the coding strand, the complement: THADA is on the minus strand). VCF-style: chr2-43498826-C-A. GRCh37 (hg19) VCF-style: chr2-43725965-C-A.
Other names: c.3621+7G>T (NM_001345924.2); c.3741+7G>T (NM_001345923.2); c.3744+7G>T (NM_001345925.2, NM_001083953.2).
Identifiers: ClinVar variation 3057241 (VCV003057241.2), dbSNP rs35419456, ClinGen allele CA1632495.